The following is an entry in ClinVar:

NM_001012301.4(ARSI):c.736C>T (p.Arg246Cys)

Gene: ARSI (arylsulfatase family member I; minus strand). Cytogenetic location: 5q32.
Variant type: single nucleotide variant.
Coding change: c.736C>T on transcript NM_001012301.4 (MANE Select); coding-DNA position 736, C replaced by T.
Protein change: p.Arg246Cys; replaces arginine 246 with cysteine.
Molecular consequence: missense variant.
Genome position (GRCh38, 1-based): chr5:150,298,188, G>A on the plus strand (C>T on the coding strand, the complement: ARSI is on the minus strand). VCF-style: chr5-150298188-G-A. GRCh37 (hg19) VCF-style: chr5-149677751-G-A.
Other names: short protein forms R246C.
Identifiers: ClinVar variation 837558 (VCV000837558.9), dbSNP rs749539572, ClinGen allele CA3510263.

ClinVar aggregate classification (germline): Uncertain significance (1 of 4 stars; one submission).

Conditions:
Spastic paraplegia. Identifiers: MedGen C0037772, HP:0001258.

Allele frequency attached by ClinVar (database versions not stated): gnomAD exomes below 0.00001 and 0.00001; gnomAD 0.00001; ExAC 0.00002; TOPMed 0.00002.

Submission:

Labcorp Genetics (formerly Invitae), Labcorp
Classification: Uncertain significance for Spastic paraplegia. Last evaluated: 2022-06-04. Review status: criteria provided, single submitter. Criteria: Invitae Variant Classification Sherloc (09022015). Collection method: clinical testing. Allele origin: germline.
Comment: This sequence change replaces arginine, which is basic and polar, with cysteine, which is neutral and slightly polar, at codon 246 of the ARSI protein (p.Arg246Cys). This variant is present in population databases (rs749539572, gnomAD 0.006%). This variant has not been reported in the literature in individuals affected with ARSI-related conditions. ClinVar contains an entry for this variant (Variation ID: 837558). Algorithms developed to predict the effect of missense changes on protein structure and function are either unavailable or do not agree on the potential impact of this missense change (SIFT: "Deleterious"; PolyPhen-2: "Possibly Damaging"; Align-GVGD: "Class C15"). In summary, the available evidence is currently insufficient to determine the role of this variant in disease. Therefore, it has been classified as a Variant of Uncertain Significance.